The following is an entry in ClinVar:

NM_001737.5(C9):c.121A>G (p.Ile41Val)

Gene: C9 (complement C9; minus strand). Cytogenetic location: 5p13.1.
Variant type: single nucleotide variant.
Coding change: c.121A>G on transcript NM_001737.5 (MANE Select); coding-DNA position 121, A replaced by G.
Protein change: p.Ile41Val; replaces isoleucine 41 with valine.
Molecular consequence: missense variant.
Genome position (GRCh38, 1-based): chr5:39,342,153, T>C on the plus strand (A>G on the coding strand, the complement: C9 is on the minus strand). VCF-style: chr5-39342153-T-C. GRCh37 (hg19) VCF-style: chr5-39342255-T-C.
Other names: short protein forms I41V.
Identifiers: ClinVar variation 3680896 (VCV003680896.2).

ClinVar aggregate classification (germline): Uncertain significance (1 of 4 stars; one submission).

Submission:

Labcorp Genetics (formerly Invitae), Labcorp
Classification: Uncertain significance. Last evaluated: 2024-12-02. Review status: criteria provided, single submitter. Criteria: Invitae Variant Classification Sherloc (09022015). Collection method: clinical testing. Allele origin: germline.
Comment: This sequence change replaces isoleucine, which is neutral and non-polar, with valine, which is neutral and non-polar, at codon 41 of the C9 protein (p.Ile41Val). This variant is not present in population databases (gnomAD no frequency). This variant has not been reported in the literature in individuals affected with C9-related conditions. Invitae Evidence Modeling of protein sequence and biophysical properties (such as structural, functional, and spatial information, amino acid conservation, physicochemical variation, residue mobility, and thermodynamic stability) indicates that this missense variant is not expected to disrupt C9 protein function with a negative predictive value of 80%. In summary, the available evidence is currently insufficient to determine the role of this variant in disease. Therefore, it has been classified as a Variant of Uncertain Significance.